The following is an entry in ClinVar:

NM_002887.4(RARS1):c.-5G>A

Gene: RARS1 (arginyl-tRNA synthetase 1; plus strand). Cytogenetic location: 5q34.
Variant type: single nucleotide variant.
Coding change: c.-5G>A on transcript NM_002887.4 (MANE Select); 5 bases upstream of the start codon, G replaced by A.
Molecular consequence: 5 prime UTR variant.
Genome position (GRCh38, 1-based): chr5:168,486,494, G>A. VCF-style: chr5-168486494-G-A. GRCh37 (hg19) VCF-style: chr5-167913499-G-A.
Identifiers: ClinVar variation 2500452 (VCV002500452.1), dbSNP rs1161658999, ClinGen allele CA564064635.
Genomic context (GRCh38, chr5:168,486,494, plus strand): 5'-CGCTTCCGGGAGAGGCTGACCGTTTCCGCTTCCGTCCACTTGGCGAGTGAGACGCTGATG[G>A]GAGGATGGACGTACTGGTGTCTGAGTGCTCCGCGCGGCTGCTGCAGCAGGTTTGGACGCA-3'

ClinVar aggregate classification (germline): Uncertain significance (1 of 4 stars; one submission).

Submission:

GeneDx
Classification: Uncertain significance. Last evaluated: 2022-10-27. Review status: criteria provided, single submitter. Criteria: GeneDx Variant Classification Process June 2021. Collection method: clinical testing. Allele origin: germline. Affected: yes.
Comment: Not observed at significant frequency in large population cohorts (gnomAD); Has not been previously published as pathogenic or benign to our knowledge; In the absence of RNA/functional studies, the actual effect of this sequence change is unknown